The following is an entry in ClinVar:

NM_007294.3(BRCA1):c.2995C>A (p.Leu999Ile)

Gene: BRCA1 (BRCA1 DNA repair associated; minus strand). Cytogenetic location: 17q21.31.
Variant type: single nucleotide variant.
Coding change: c.2995C>A on transcript NM_007294.3; coding-DNA position 2995, C replaced by A.
Protein change: p.Leu999Ile; replaces leucine 999 with isoleucine.
Molecular consequence: missense variant (on NM_007294.4). On other transcripts: intron variant (137).
Genome position (GRCh38, 1-based): chr17:43,092,536, G>T on the plus strand (C>A on the coding strand, the complement: BRCA1 is on the minus strand). VCF-style: chr17-43092536-G-T. GRCh37 (hg19) VCF-style: chr17-41244553-G-T.
Other names: c.578-1504C>A (NM_001408484.1, NM_001408478.1, NM_001408514.1 and 9 more transcripts); c.662-1504C>A (NM_001408450.1, NM_001408434.1, NM_001408447.1 and 6 more transcripts); c.785-1504C>A (NM_001408398.1, NM_001407992.1, NM_001408400.1 and 13 more transcripts); c.665-1504C>A (NM_001408440.1, NM_001408428.1, NM_001408441.1 and 12 more transcripts); c.671-1504C>A (NM_001408418.1, NM_001408423.1, NM_001408420.1 and 2 more transcripts); c.788-1504C>A (NM_001407981.1, NM_007298.4, NM_001407978.1 and 17 more transcripts); c.644-1504C>A (NM_001408462.1, NM_001408470.1, NM_001408464.1 and 3 more transcripts); c.710-1504C>A (NM_001408414.1, NM_001408411.1, NM_001408415.1 and 2 more transcripts); and 41 more; short protein forms L999I, L952I, L703I, L911I, L931I, L957I, L831I, L871I.
Identifiers: ClinVar variation 54741 (VCV000054741.9), dbSNP rs80356848, ClinGen allele CA001944.
Genomic context (GRCh38, chr17:43,092,536, plus strand): 5'-TGTTCTCATTTCCCATTTCTCTTTCAGGTGACATTGAATGTTCCTCAAAGTTTTCCTCTA[G>T]CAGATTTTTCTTACATTTAGTTTTAACAAATGACTTGATGGGAAAAAGTGGTGGTATACG-3'
Protein context (NP_009225.1, residues 989-1009): FVKTKCKKNL[Leu999Ile]EENFEEHSMS

ClinVar aggregate classification (germline): Conflicting classifications of pathogenicity. Review status: criteria provided, conflicting classifications (1 of 4 stars). 4 submissions from 4 submitters: Uncertain significance (2); Likely benign (1). 1 of the submissions does not count toward it. Last evaluated 2024-11-18.

Conditions:
Hereditary cancer-predisposing syndrome. Also called: Neoplastic Syndromes, Hereditary; Tumor predisposition; Hereditary Cancer Syndrome; Hereditary neoplastic syndrome. Identifiers: Orphanet 140162, MedGen C0027672, MeSH D009386, MONDO:0015356.
Familial cancer of breast. Also called: BREAST CANCER, FAMILIAL; Hereditary breast cancer; hereditary breast carcinoma. Identifiers: Orphanet 227535, MedGen C0346153, MONDO:0016419, OMIM 114480. Disease mechanism: loss of function.

Submissions (4):

Color Diagnostics, LLC DBA Color Health
Classification: Uncertain significance for Hereditary cancer-predisposing syndrome. Last evaluated: 2024-11-18. Review status: criteria provided, single submitter. Criteria: ACMG Guidelines, 2015. Collection method: clinical testing. Allele origin: germline.
Comment: This missense variant replaces leucine with isoleucine at codon 999 of the BRCA1 protein. Computational prediction suggests that this variant may not impact protein structure and function. To our knowledge, functional studies have not been reported for this variant. This variant has not been reported in individuals affected with BRCA1-related disorders in the literature. This variant has not been identified in the general population by the Genome Aggregation Database (gnomAD). The available evidence is insufficient to determine the role of this variant in disease conclusively. Therefore, this variant is classified as a Variant of Uncertain Significance.

University of Washington Department of Laboratory Medicine, University of Washington
Classification: Likely benign for Hereditary cancer-predisposing syndrome. Last evaluated: 2023-03-23. Review status: criteria provided, single submitter. Criteria: Dines et al. (Genet Med. 2020). Collection method: curation. Allele origin: germline.
Comment: Missense variant in a coldspot region where missense variants are very unlikely to be pathogenic (PMID:31911673).

BRCA1 coldspot (exon 11 using historical exon numbering). Reclassification based on statistical prior probability

Ambry Genetics
Classification: Uncertain significance for Hereditary cancer-predisposing syndrome. Last evaluated: 2018-09-30. Review status: criteria provided, single submitter. Criteria: Ambry Variant Classification Scheme 2023. Collection method: clinical testing. Allele origin: germline.
Comment: The p.L999I variant (also known as c.2995C>A), located in coding exon 9 of the BRCA1 gene, results from a C to A substitution at nucleotide position 2995. The leucine at codon 999 is replaced by isoleucine, an amino acid with highly similar properties. This amino acid position is poorly conserved in available vertebrate species. In addition, this alteration is predicted to be tolerated by in silico analysis. Since supporting evidence is limited at this time, the clinical significance of this alteration remains unclear.

ClinVar Staff, National Center for Biotechnology Information (NCBI)
No classification provided. Condition: Familial cancer of breast. Review status: no classification provided. Collection method: literature only. Allele origin: germline. Affected: yes. Not counted in ClinVar's aggregate classification.

Literature cited by the submitters: PubMed 10923033 (cited by ClinVar Staff, National Center for Biotechnology Information (NCBI)).